The following is an entry in ClinVar:

NM_004168.4(SDHA):c.1707G>C (p.Gln569His)

Gene: SDHA (succinate dehydrogenase complex flavoprotein subunit A; plus strand). Cytogenetic location: 5p15.33.
Variant type: single nucleotide variant.
Coding change: c.1707G>C on transcript NM_004168.4 (MANE Select); coding-DNA position 1707, G replaced by C.
Protein change: p.Gln569His; replaces glutamine 569 with histidine.
Molecular consequence: missense variant. On other transcripts: intron variant (1).
Genome position (GRCh38, 1-based): chr5:251,381, G>C. VCF-style: chr5-251381-G-C. GRCh37 (hg19) VCF-style: chr5-251496-G-C.
Other names: c.1563G>C, p.Gln521His (NM_001294332.2); c.1552-3012G>C (NM_001330758.2); c.1707G>C (NM_004168.2); short protein forms Q569H, Q521H.
Identifiers: ClinVar variation 2934146 (VCV002934146.4), dbSNP rs959934068, ClinGen allele CA359000036.

ClinVar aggregate classification (germline): Uncertain significance. Review status: criteria provided, multiple submitters, no conflicts (2 of 4 stars). 2 submissions from 2 submitters: Uncertain significance (2). Last evaluated 2025-04-30.

Conditions:
Mitochondrial complex II deficiency, nuclear type 1. Also called: SUCCINATE CoQ REDUCTASE DEFICIENCY. Identifiers: Orphanet 3208, MedGen C5700310, MONDO:0100294, OMIM 252011.
Pheochromocytoma/paraganglioma syndrome 5. Also called: Paragangliomas 5; SDHA-Related Hereditary Paraganglioma-Pheochromocytoma Syndrome. Identifiers: Orphanet 29072, MedGen C3279992, MONDO:0013602, OMIM 614165.
Hereditary cancer-predisposing syndrome. Also called: Neoplastic Syndromes, Hereditary; Tumor predisposition; Hereditary Cancer Syndrome; Hereditary neoplastic syndrome. Identifiers: Orphanet 140162, MedGen C0027672, MeSH D009386, MONDO:0015356.

Submissions (2):

Labcorp Genetics (formerly Invitae), Labcorp
Classification: Uncertain significance for Pheochromocytoma/paraganglioma syndrome 5; Mitochondrial complex II deficiency, nuclear type 1. Last evaluated: 2025-04-30. Review status: criteria provided, single submitter. Criteria: Invitae Variant Classification Sherloc (09022015). Collection method: clinical testing. Allele origin: germline.
Comment: This sequence change replaces glutamine, which is neutral and polar, with histidine, which is basic and polar, at codon 569 of the SDHA protein (p.Gln569His). This variant is not present in population databases (gnomAD no frequency). This variant has not been reported in the literature in individuals affected with SDHA-related conditions. ClinVar contains an entry for this variant (Variation ID: 2934146). Invitae Evidence Modeling of protein sequence and biophysical properties (such as structural, functional, and spatial information, amino acid conservation, physicochemical variation, residue mobility, and thermodynamic stability) indicates that this missense variant is not expected to disrupt SDHA protein function with a negative predictive value of 95%. In summary, the available evidence is currently insufficient to determine the role of this variant in disease. Therefore, it has been classified as a Variant of Uncertain Significance.

Ambry Genetics
Classification: Uncertain significance for Hereditary cancer-predisposing syndrome. Last evaluated: 2024-05-31. Review status: criteria provided, single submitter. Criteria: Ambry Variant Classification Scheme 2023. Collection method: clinical testing. Allele origin: germline.
Comment: The p.Q569H variant (also known as c.1707G>C), located in coding exon 13 of the SDHA gene, results from a G to C substitution at nucleotide position 1707. The glutamine at codon 569 is replaced by histidine, an amino acid with highly similar properties. This amino acid position is conserved. In addition, the in silico prediction for this alteration is inconclusive. Based on the available evidence, the clinical significance of this variant remains unclear.